The following is an entry in ClinVar:

NM_000834.5(GRIN2B):c.2505_2514del (p.Phe836fs)

Gene: GRIN2B (glutamate ionotropic receptor NMDA type subunit 2B; minus strand). Cytogenetic location: 12p13.1.
Variant type: Deletion.
Coding change: c.2505_2514del on transcript NM_000834.5 (MANE Select); coding-DNA positions 2505 to 2514, 10 bases deleted (CTTCATCTGC; older notation c.2505_2514delCTTCATCTGC).
Protein change: p.Phe836fs; shifts the reading frame from phenylalanine 836.
Molecular consequence: frameshift variant.
Genome position (GRCh38, 1-based): chr12:13,567,109-13,567,118, GCAGATGAAG deleted on the plus strand (CTTCATCTGC on the coding strand, the reverse complement: GRIN2B is on the minus strand); deleting any 10 consecutive bases within chr12:13,567,109-13,567,119 gives the same sequence; the c. name uses the placement nearest the transcript's 3' end. VCF-style (leftmost placement, unchanged base first): chr12-13567108-CGCAGATGAAG-C. GRCh37 (hg19) VCF-style: chr12-13720042-CGCAGATGAAG-C.
Other names: c.2505_2514del, p.Phe836fs (NM_001413992.1); short protein forms F836fs.
Identifiers: ClinVar variation 4786766 (VCV004786766.1).

ClinVar aggregate classification (germline): Pathogenic (1 of 4 stars; one submission).

Conditions:
Developmental and epileptic encephalopathy, 27 (DEE27). Also called: Epileptic encephalopathy, early infantile, 27; GRIN2B-Related Neurodevelopmental Disorder. Identifiers: Orphanet 3451, MedGen C4015316, MONDO:0014505, OMIM 616139.
Intellectual developmental disorder, autosomal dominant 6, with or without seizures. Also called: Intellectual disability, autosomal dominant 6; GRIN2B-related developmental delay, intellectual disability and autism spectrum disorder. Identifiers: Orphanet 589547, MedGen C3151411, MONDO:0013509, OMIM 613970.

Submission:

Labcorp Genetics (formerly Invitae), Labcorp
Classification: Pathogenic for Developmental and epileptic encephalopathy, 27; Intellectual developmental disorder, autosomal dominant 6, with or without seizures. Last evaluated: 2025-11-21. Review status: criteria provided, single submitter. Criteria: Invitae Variant Classification Sherloc (09022015). Collection method: clinical testing. Allele origin: germline.
Comment: This sequence change creates a premature translational stop signal (p.Phe836Asnfs*45) in the GRIN2B gene. While this is not anticipated to result in nonsense mediated decay, it is expected to disrupt the last 649 amino acid(s) of the GRIN2B protein. This variant is not present in population databases (gnomAD no frequency). This variant has not been reported in the literature in individuals affected with GRIN2B-related conditions. This variant disrupts a region of the GRIN2B protein in which other variant(s) (p.Lys1280Glyfs*17) have been determined to be pathogenic (internal data). This suggests that this is a clinically significant region of the protein, and that variants that disrupt it are likely to be disease-causing. For these reasons, this variant has been classified as Pathogenic.